The following is an entry in ClinVar:

NM_001190274.2(FBXO11):c.2476A>G (p.Ile826Val)

Genes: FBXO11 (F-box protein 11; minus strand), MSH6 (mutS homolog 6; plus strand). Cytogenetic location: 2p16.3.
Variant type: single nucleotide variant.
Coding change: c.2476A>G on transcript NM_001190274.2 (MANE Select); coding-DNA position 2476, A replaced by G.
Protein change: p.Ile826Val; replaces isoleucine 826 with valine.
Molecular consequence: missense variant. On other transcripts: intron variant (6).
Genome position (GRCh38, 1-based): chr2:47,809,237, T>C on the plus strand (A>G on the coding strand, the complement: FBXO11 is on the minus strand). VCF-style: chr2-47809237-T-C. GRCh37 (hg19) VCF-style: chr2-48036376-T-C.
Other names: c.2224A>G, p.Ile742Val (NM_001374325.1, NM_025133.4); c.*44-762T>C (NM_001406809.1); c.*41-762T>C (NM_001406796.1, NM_001406811.1, NM_001406805.1 and 2 more transcripts); short protein forms I742V, I826V.
Identifiers: ClinVar variation 2505744 (VCV002505744.1), dbSNP rs2530955334, ClinGen allele CA346762537.

ClinVar aggregate classification (germline): Uncertain significance (1 of 4 stars; one submission).

Allele frequency attached by ClinVar (database versions not stated): gnomAD exomes below 0.00001.
gnomAD v4.1: 2 of 1,602,096 alleles (0.00012%); highest among the groups gnomAD compares: Non-Finnish European, 0.00017%; no homozygotes.

Submission:

GeneDx
Classification: Uncertain significance. Last evaluated: 2022-12-12. Review status: criteria provided, single submitter. Criteria: GeneDx Variant Classification Process June 2021. Collection method: clinical testing. Allele origin: germline. Affected: yes.
Comment: Not observed at significant frequency in large population cohorts (gnomAD); In silico analysis supports that this missense variant does not alter protein structure/function; Has not been previously published as pathogenic or benign to our knowledge